The following is an entry in ClinVar:

NM_000368.5(TSC1):c.2208+7A>G

Gene: TSC1 (TSC complex subunit 1; minus strand). Cytogenetic location: 9q34.13.
Variant type: single nucleotide variant.
Coding change: c.2208+7A>G on transcript NM_000368.5 (MANE Select); 7 bases into the intron after coding-DNA position 2208, A replaced by G.
Molecular consequence: intron variant.
Genome position (GRCh38, 1-based): chr9:132,903,644, T>C on the plus strand (A>G on the coding strand, the complement: TSC1 is on the minus strand). VCF-style: chr9-132903644-T-C. GRCh37 (hg19) VCF-style: chr9-135779031-T-C.
Other names: c.1845+7A>G (NM_001362177.2); c.2055+7A>G (NM_001162427.2); c.2205+7A>G (NM_001162426.2).
Identifiers: ClinVar variation 701752 (VCV000701752.13), dbSNP rs777732621, ClinGen allele CA031804.
Genomic context (GRCh38, chr9:132,903,644, plus strand): 5'-TAAGCTATCATGCTGACCCAAAACAAAACAAAAAGCAAGCTCCACCTGTCCCCTCCCCAG[T>C]CCTCACCATGGCAGCATTATGTTCCTCCAGAGCTGCTGCTTTGATCACCTTGCGGAGGAG-3'

ClinVar aggregate classification (germline): Likely benign. Review status: criteria provided, multiple submitters, no conflicts (2 of 4 stars). 3 submissions from 3 submitters: Likely benign (3). Last evaluated 2025-11-24.

Conditions:
Tuberous sclerosis 1 (TSC1). Identifiers: Orphanet 805, MedGen C1854465, MONDO:0008612, OMIM 191100.
Isolated focal cortical dysplasia type II (FCORD2). Also called: CORTICAL DYSPLASIA OF TAYLOR; Focal cortical dysplasia type II. Identifiers: Orphanet 268994, MedGen C1846385, MONDO:0011818, OMIM 607341, HP:0032051.
Lymphangiomyomatosis (LAM). Also called: Lymphangioleiomyomatosis, somatic; Lymphangioleiomyomatosis. Identifiers: Orphanet 538, MedGen C0751674, MONDO:0011705, OMIM 606690.

Allele frequency attached by ClinVar (database versions not stated): TOPMed below 0.00001; gnomAD 0.00001; gnomAD exomes 0.00001 and 0.00003; ExAC 0.00002.
gnomAD v4.1: 36 of 1,611,970 alleles (0.0022%); highest among the groups gnomAD compares: Non-Finnish European, 0.0031%; no homozygotes.

Submissions (3):

Labcorp Genetics (formerly Invitae), Labcorp
Classification: Likely benign for Tuberous sclerosis 1. Last evaluated: 2025-11-24. Review status: criteria provided, single submitter. Criteria: Invitae Variant Classification Sherloc (09022015). Collection method: clinical testing. Allele origin: germline.

Myriad Genetics, Inc.
Classification: Likely benign for Tuberous sclerosis 1. Last evaluated: 2025-04-24. Review status: criteria provided, single submitter. Criteria: Myriad Autosomal Dominant, Autosomal Recessive and X-Linked Classification Criteria (2023). Collection method: clinical testing. Allele origin: unknown.
Comment: This variant is considered likely benign. This variant is intronic and is not expected to impact mRNA splicing.

Fulgent Genetics
Classification: Likely benign for Tuberous sclerosis 1; Lymphangiomyomatosis; Isolated focal cortical dysplasia type II. Last evaluated: 2021-11-03. Review status: criteria provided, single submitter. Criteria: ACMG Guidelines, 2015. Collection method: clinical testing. Allele origin: unknown.